The following is an entry in ClinVar:

ClinVar aggregate classification (germline): Likely benign (1 of 4 stars; one submission).

Allele frequency attached by ClinVar (database versions not stated): 1000 Genomes Project 0.00339; 1000 Genomes Project 30x 0.00359; gnomAD 0.00448 and 0.00474; TOPMed 0.00501.

Submission:

GeneDx
Classification: Likely benign. Last evaluated: 2021-10-27. Review status: criteria provided, single submitter. Criteria: GeneDx Variant Classification Process June 2021. Collection method: clinical testing. Allele origin: germline. Affected: yes.
Comment: See Variant Classification Assertion Criteria.

NM_012120.3(CD2AP):c.541+173del

Gene: CD2AP (CD2 associated protein; plus strand). Cytogenetic location: 6p12.3.
Variant type: Deletion.
Coding change: c.541+173del on transcript NM_012120.3 (MANE Select); 173 bases into the intron after coding-DNA position 541, one base deleted (G; older notation c.541+173delG).
Molecular consequence: intron variant.
Genome position (GRCh38, 1-based): chr6:47,554,939, G deleted. VCF-style (leftmost placement, unchanged base first): chr6-47554938-AG-A. GRCh37 (hg19) VCF-style: chr6-47522674-AG-A.
Identifiers: ClinVar variation 1683792 (VCV001683792.2), dbSNP rs371434430, ClinGen allele CA137926463.